The following is an entry in ClinVar:

NM_000081.4(LYST):c.8072A>T (p.His2691Leu)

Gene: LYST (lysosomal trafficking regulator; minus strand). Cytogenetic location: 1q42.3.
Variant type: single nucleotide variant.
Coding change: c.8072A>T on transcript NM_000081.4 (MANE Select); coding-DNA position 8072, A replaced by T.
Protein change: p.His2691Leu; replaces histidine 2691 with leucine.
Molecular consequence: missense variant.
Genome position (GRCh38, 1-based): chr1:235,744,058, T>A on the plus strand (A>T on the coding strand, the complement: LYST is on the minus strand). VCF-style: chr1-235744058-T-A. GRCh37 (hg19) VCF-style: chr1-235907358-T-A.
Other names: c.8072A>T, p.His2691Leu (NM_001301365.1); short protein forms H2691L.
Identifiers: ClinVar variation 1993249 (VCV001993249.4), dbSNP rs202185548, ClinGen allele CA344924894.
Genomic context (GRCh38, chr1:235,744,058, plus strand): 5'-TCTACCAGATATGTAAAAATTTCTTTCTGAAATGGATTGAAAACAGAAGACTGTTCATGA[T>A]GAATATTTTCCTCAGAAATTTCGGTCTGGAAAACTGAGGTCTTGCTTTGAGTTACATTTT-3'
Protein context (NP_000072.2, residues 2681-2701): FQTEISEENI[His2691Leu]HEQSSVFNPF

ClinVar aggregate classification (germline): Uncertain significance (1 of 4 stars; one submission).

Conditions:
Chédiak-Higashi syndrome (CHS). Also called: Chediak-Higashi Syndrome. Identifiers: Orphanet 167, MedGen C0007965, MONDO:0008963, OMIM 214500.

gnomAD v4.1: 1 of 1,584,992 alleles (0.000063%); highest among the groups gnomAD compares: Non-Finnish European, 0.000087%; no homozygotes.

Submission:

Labcorp Genetics (formerly Invitae), Labcorp
Classification: Uncertain significance for Chédiak-Higashi syndrome. Last evaluated: 2022-07-01. Review status: criteria provided, single submitter. Criteria: Invitae Variant Classification Sherloc (09022015). Collection method: clinical testing. Allele origin: germline.
Comment: In summary, the available evidence is currently insufficient to determine the role of this variant in disease. Therefore, it has been classified as a Variant of Uncertain Significance. Algorithms developed to predict the effect of missense changes on protein structure and function (SIFT, PolyPhen-2, Align-GVGD) all suggest that this variant is likely to be tolerated. This variant has not been reported in the literature in individuals affected with LYST-related conditions. This variant is not present in population databases (gnomAD no frequency). This sequence change replaces histidine, which is basic and polar, with leucine, which is neutral and non-polar, at codon 2691 of the LYST protein (p.His2691Leu).